The following is an entry in ClinVar:

ClinVar aggregate classification (germline): Conflicting classifications of pathogenicity. Review status: criteria provided, conflicting classifications (1 of 4 stars). 13 submissions from 11 submitters: Uncertain significance (4); Benign (1); Likely benign (7). 1 of the submissions does not count toward it. Last evaluated 2026-02-09.

Conditions:
Connective tissue disorder. Also called: Connective tissue disease. Identifiers: MedGen C0009782, MONDO:0003900.
Cardiovascular phenotype. Identifiers: MedGen CN230736.
Ehlers-Danlos syndrome (EDS). Identifiers: Orphanet 98249, MedGen C0013720, MONDO:0020066.
Familial thoracic aortic aneurysm and aortic dissection (TAAD). Also called: Thoracic aortic aneurysms and dissections. Identifiers: Orphanet 91387, MedGen C4707243, MONDO:0019625.
Osteogenesis imperfecta (OI). Identifiers: Orphanet 666, MedGen C0029434, MeSH D010013, MONDO:0019019.
Infantile cortical hyperostosis. Also called: P1PK BLOOD GROUP SYSTEM, P(2) PHENOTYPE; Hyperostosis, Cortical, Congenital; Caffey Disease. Identifiers: Orphanet 1310, MedGen C0020497, MONDO:0007244, OMIM 114000.
Ehlers-Danlos syndrome, arthrochalasia type. Also called: ARTHROCHALASIS MULTIPLEX CONGENITA; EDS VII, MUTANT PROCOLLAGEN TYPE; EDS VIIA; Ehlers-Danlos syndrome, arthrochalasia type, 1; Ehlers-Danlos syndrome, arthrochalasis type. Identifiers: Orphanet 1899, Orphanet 99875, Orphanet 99876, MedGen C4551623, MONDO:0007525, OMIM 130060.
Osteogenesis imperfecta type I (OI1). Also called: Classic Non-deforming Osteogenesis Imperfecta with Blue Sclerae; Lobstein disease; Lobstein's Disease; OI, TYPE I; OSTEOGENESIS IMPERFECTA TARDA; OSTEOGENESIS IMPERFECTA WITH BLUE SCLERAE. Identifiers: Orphanet 216796, Orphanet 666, MedGen C0023931, MONDO:0008146, OMIM 166200. Disease mechanism: loss of function.

Allele frequency attached by ClinVar (database versions not stated): TOPMed 0.00013; ExAC 0.00014; ESP Exome Variant Server 0.00015; gnomAD exomes 0.00015 and 0.00034; gnomAD 0.00019.
gnomAD v4.1: 548 of 1,613,678 alleles (0.034%); highest among the groups gnomAD compares: Non-Finnish European, 0.04%; 1 homozygote.

Submissions (13):

Women's Health and Genetics/Laboratory Corporation of America, LabCorp
Classification: Likely benign. Last evaluated: 2026-02-09. Review status: criteria provided, single submitter. Criteria: LabCorp Variant Classification Summary - May 2015. Collection method: clinical testing. Allele origin: germline.
Comment: Variant summary: COL1A1 c.2932C>T (p.Pro978Ser) results in a non-conservative amino acid change in the encoded protein sequence. Algorithms developed to predict the effect of missense changes on protein structure and function all suggest that this variant is likely to be disruptive. The variant allele was found at a frequency of 0.00015 in 250098 control chromosomes. The observed variant frequency exceeds the estimated maximal expected allele frequency for disease-causing variants in COL1A1. c.2932C>T has been observed in individuals with osteogenesis imperfecta, thoracic aortic aneurysm/aortic dissection, or a history of multiple fractures (Pollitt_2006, Weerakkody_2018, Aya_2019). These reports however do not provide unequivocal conclusions about association of the variant with COL1A1-related conditions. Co-occurrence with a pathogenic variant has been reported (COL1A1 c.2644 C>T, p.Arg882X) in cis, further providing supporting evidence for a benign role (Pollitt_2006). This pathogenic variant segregated with disease in the family and as it lies upstream of this variant (p.P978S), the authors concluded that it is unlikely to affect the resultant phenotype in this family. To our knowledge, no experimental evidence demonstrating an impact on protein function has been reported. The following publications have been ascertained in the context of this evaluation (PMID: 16786509, 29543232, 31584903). ClinVar contains an entry for this variant (Variation ID: 35918). Based on the evidence outlined above, the variant was classified as likely benign.

Labcorp Genetics (formerly Invitae), Labcorp
Classification: Likely benign for Osteogenesis imperfecta type I. Last evaluated: 2026-01-10. Review status: criteria provided, single submitter. Criteria: Invitae Variant Classification Sherloc (09022015). Collection method: clinical testing. Allele origin: germline.

Mayo Clinic Laboratories, Mayo Clinic
Classification: Likely benign. Last evaluated: 2025-05-14. Review status: criteria provided, single submitter. Criteria: ACMG Guidelines, 2015. Collection method: clinical testing. Allele origin: germline. Observed: 2 variant alleles.
Comment: BS1, PP2, PS4_supporting

Blueprint Genetics
Classification: Likely benign. Last evaluated: 2024-03-06. Review status: criteria provided, single submitter. Criteria: ACMG Guidelines, 2015. Collection method: clinical testing. Allele origin: germline.

ARUP Laboratories, Molecular Genetics and Genomics, ARUP Laboratories
Classification: Uncertain significance. Last evaluated: 2024-01-26. Review status: criteria provided, single submitter. Criteria: ARUP Molecular Germline Variant Investigation Process 2024. Collection method: clinical testing. Allele origin: germline.
Comment: The COL1A1 c.2932C>T; p.Pro978Ser variant (rs193922153) is reported in the literature in several individuals with aortic aneurysm or with a suspicion or diagnosis of osteogenesis imperfecta, although the variant was not demonstrated to cause disease in these individuals (Aya 2019, Pollitt 2006, Weerakkody 2018). In one family, this variant occurred in cis with a pathogenic nonsense variant which likely explained their disease (Pollitt 2006). The p.Pro978Ser variant is found in the general population with an overall allele frequency of 0.02% (45/281,278 alleles) in the Genome Aggregation Database (v2.1.1). Computational analyses predict that this variant is deleterious (REVEL: 0.71). Due to limited information, the clinical significance of this variant is uncertain at this time. References: Aya KL et al. Distal Femur Insufficiency Fracture in a Pediatric Patient: An Atypical Presentation of Osteogenesis Imperfecta: A Case Report. JBJS Case Connect. 2019 Jul-Sep;9(3):e0317. PMID: 31584903. Pollitt R et al. Mutation analysis of COL1A1 and COL1A2 in patients diagnosed with osteogenesis imperfecta type I-IV. Hum Mutat. 2006 Jul;27(7):716. PMID: 16786509. Weerakkody R et al. Targeted genetic analysis in a large cohort of familial and sporadic cases of aneurysm or dissection of the thoracic aorta. Genet Med. 2018 Nov;20(11):1414-1422. PMID: 29543232.

Ambry Genetics
Classification: Uncertain significance for Cardiovascular phenotype. Last evaluated: 2023-12-13. Review status: criteria provided, single submitter. Criteria: Ambry Variant Classification Scheme 2023. Collection method: clinical testing. Allele origin: germline.
Comment: The p.P978S variant (also known as c.2932C>T), located in coding exon 40 of the COL1A1 gene, results from a C to T substitution at nucleotide position 2932. The proline at codon 978 is replaced by serine, an amino acid with similar properties. This variant has been reported to occur in cis with a COL1A1 nonsense alteration in an individual from an osteogenesis imperfecta cohort, and was also detected in an individual with multiple fractures (Pollitt R et al. Hum Mutat, 2006 Jul;27:716; Aya KL et al. JBJS Case Connect;9:e0317). This variant was also detected in two individuals with aortic aneurysm; however, details were limited (Weerakkody R et al. Genet Med, 2018 11;20:1414-1422). This amino acid position is well conserved in available vertebrate species. In addition, the in silico prediction for this alteration is inconclusive. Since supporting evidence is limited at this time, the clinical significance of this alteration remains unclear.

GeneDx
Classification: Likely benign. Last evaluated: 2020-04-20. Review status: criteria provided, single submitter. Criteria: GeneDx Variant Classification Process June 2021. Collection method: clinical testing. Allele origin: germline. Affected: yes.
Comment: This variant is associated with the following publications: (PMID: 29543232, 27050224, 16786509)

Genome Diagnostics Laboratory, The Hospital for Sick Children
Classification: Uncertain significance for Ehlers-Danlos syndrome. Last evaluated: 2018-12-01. Review status: criteria provided, single submitter. Criteria: ACMG Guidelines, 2015. Collection method: clinical testing. Allele origin: germline.

Center for Human Genetics, Inc
Classification: Likely benign for Connective tissue disorder. Last evaluated: 2018-06-01. Review status: criteria provided, single submitter. Criteria: ACMG Guidelines, 2015. Collection method: clinical testing. Allele origin: germline. Affected: yes.

Illumina Laboratory Services, Illumina
Classification: Likely benign for Osteogenesis imperfecta. Last evaluated: 2017-04-28. Review status: criteria provided, single submitter. Criteria: ICSL Variant Classification Criteria 13 December 2019. Collection method: clinical testing. Allele origin: germline.
Comment: This variant was observed as part of a predisposition screen in an ostensibly healthy population. A literature search was performed for the gene, cDNA change, and amino acid change (where applicable). No publications were found based on this search. Allele frequency data from public databases allowed determination this variant is unlikely to cause disease. Therefore, this variant is classified as likely benign.

Illumina Laboratory Services, Illumina
Classification: Uncertain significance for Infantile cortical hyperostosis. Last evaluated: 2017-04-28. Review status: criteria provided, single submitter. Criteria: ICSL Variant Classification Criteria 13 December 2019. Collection method: clinical testing. Allele origin: germline.

Illumina Laboratory Services, Illumina
Classification: Benign for Ehlers-Danlos syndrome, arthrochalasia type. Last evaluated: 2017-04-28. Review status: criteria provided, single submitter. Criteria: ICSL Variant Classification Criteria 13 December 2019. Collection method: clinical testing. Allele origin: germline.
Comment: This variant was observed as part of a predisposition screen in an ostensibly healthy population. A literature search was performed for the gene, cDNA change, and amino acid change (where applicable). No publications were found based on this search. Allele frequency data from public databases was too high to be consistent with this variant causing disease. Therefore, this variant is classified as benign.

Centre for Genomic and Experimental Medicine, University of Edinburgh
Classification: Likely pathogenic for Familial thoracic aortic aneurysm and aortic dissection. Review status: no assertion criteria provided. Collection method: research. Allele origin: unknown. Affected: yes. Not counted in ClinVar's aggregate classification.

Literature cited by the submitters: PubMed 16786509 (cited by 3 submitters); PubMed 29543232 (cited by 3 submitters); PubMed 31584903 (cited by 3 submitters).

NM_000088.4(COL1A1):c.2932C>T (p.Pro978Ser)

Gene: COL1A1 (collagen type I alpha 1 chain; minus strand). Cytogenetic location: 17q21.33.
Variant type: single nucleotide variant.
Coding change: c.2932C>T on transcript NM_000088.4 (MANE Select); coding-DNA position 2932, C replaced by T.
Protein change: p.Pro978Ser; replaces proline 978 with serine.
Molecular consequence: missense variant.
Genome position (GRCh38, 1-based): chr17:50,189,173, G>A on the plus strand (C>T on the coding strand, the complement: COL1A1 is on the minus strand). VCF-style: chr17-50189173-G-A. GRCh37 (hg19) VCF-style: chr17-48266534-G-A.
Other names: short protein forms P978S.
Identifiers: ClinVar variation 35918 (VCV000035918.27), dbSNP rs193922153, ClinGen allele CA260305.
Genomic context (GRCh38, chr17:50,189,173, plus strand): 5'-TCCAAGTCCTGTGATGGTTTTTCTCAGGGCCCCCCAAGGTGAGGGGGGCACTTACAGAGG[G>A]GCCAGGAAGACCAGGGAAGCCTCTCTCTCCTCTCTGACCAGGCAGGCCGACCACACCACG-3'
Protein context (NP_000079.2, residues 968-988): GERGFPGLPG[Pro978Ser]SGEPGKQGPS